The following is an entry in ClinVar:

NM_014363.6(SACS):c.614G>T (p.Cys205Phe)

Gene: SACS (sacsin molecular chaperone; minus strand). Cytogenetic location: 13q12.12.
Variant type: single nucleotide variant.
Coding change: c.614G>T on transcript NM_014363.6 (MANE Select); coding-DNA position 614, G replaced by T.
Protein change: p.Cys205Phe; replaces cysteine 205 with phenylalanine.
Molecular consequence: missense variant.
Genome position (GRCh38, 1-based): chr13:23,355,998, C>A on the plus strand (G>T on the coding strand, the complement: SACS is on the minus strand). VCF-style: chr13-23355998-C-A. GRCh37 (hg19) VCF-style: chr13-23930137-C-A.
Other names: c.173G>T, p.Cys58Phe (NM_001278055.2); short protein forms C205F, C58F.
Identifiers: ClinVar variation 1394588 (VCV001394588.5), dbSNP rs2137729432, ClinGen allele CA387551829.

ClinVar aggregate classification (germline): Uncertain significance (1 of 4 stars; one submission).

Conditions:
Spastic paraplegia. Identifiers: MedGen C0037772, HP:0001258.

Allele frequency attached by ClinVar (database versions not stated): gnomAD exomes below 0.00001.
gnomAD v4.1: 3 of 1,612,962 alleles (0.00019%); highest among the groups gnomAD compares: African/African-American, 0.0027%; no homozygotes.

Submission:

Labcorp Genetics (formerly Invitae), Labcorp
Classification: Uncertain significance for Spastic paraplegia. Last evaluated: 2021-09-01. Review status: criteria provided, single submitter. Criteria: Invitae Variant Classification Sherloc (09022015). Collection method: clinical testing. Allele origin: germline.
Comment: This sequence change replaces cysteine with phenylalanine at codon 205 of the SACS protein (p.Cys205Phe). The cysteine residue is moderately conserved and there is a large physicochemical difference between cysteine and phenylalanine. This variant is not present in population databases (ExAC no frequency). This variant has not been reported in the literature in individuals affected with SACS-related conditions. Algorithms developed to predict the effect of missense changes on protein structure and function are either unavailable or do not agree on the potential impact of this missense change (SIFT: "Deleterious"; PolyPhen-2: "Possibly Damaging"; Align-GVGD: "Class C0"). In summary, the available evidence is currently insufficient to determine the role of this variant in disease. Therefore, it has been classified as a Variant of Uncertain Significance.